The following is an entry in ClinVar:

NM_000138.5(FBN1):c.4150A>G (p.Met1384Val)

Gene: FBN1 (fibrillin 1; minus strand). Cytogenetic location: 15q21.1.
Variant type: single nucleotide variant.
Coding change: c.4150A>G on transcript NM_000138.5 (MANE Select); coding-DNA position 4150, A replaced by G.
Protein change: p.Met1384Val; replaces methionine 1384 with valine.
Molecular consequence: missense variant.
Genome position (GRCh38, 1-based): chr15:48,474,315, T>C on the plus strand (A>G on the coding strand, the complement: FBN1 is on the minus strand). VCF-style: chr15-48474315-T-C. GRCh37 (hg19) VCF-style: chr15-48766512-T-C.
Other names: short protein forms M1384V.
Identifiers: ClinVar variation 200038 (VCV000200038.32), dbSNP rs775543440, ClinGen allele CA014788.

ClinVar aggregate classification (germline): Conflicting classifications of pathogenicity. Review status: criteria provided, conflicting classifications (1 of 4 stars). 9 submissions from 9 submitters: Uncertain significance (7); Likely benign (2). Last evaluated 2025-10-27.

Conditions:
Marfan syndrome (MFS). Also called: Marfan syndrome, classic; FBN1-Related Marfan Syndrome; Marfan syndrome type 1; Marfan's syndrome; MARFAN SYNDROME, TYPE I. Identifiers: Orphanet 284963, Orphanet 558, MedGen C0024796, MONDO:0007947, OMIM 154700.
MASS syndrome (OCTD). Also called: OVERLAP CONNECTIVE TISSUE DISEASE; MASS PHENOTYPE. Identifiers: MedGen C1858556, MONDO:0011431, OMIM 604308.
Weill-Marchesani syndrome 2, dominant. Also called: Weill-Marchesani Syndrome, Autosomal Dominant; FBN1-Related Weill-Marchesani Syndrome. Identifiers: Orphanet 2084, MedGen C1869115, MONDO:0012013, OMIM 608328.
Acromicric dysplasia (ACMICD). Also called: Acromicric skeletal dysplasia. Identifiers: Orphanet 969, MedGen C0265287, MONDO:0007055, OMIM 102370.
Ectopia lentis 1, isolated, autosomal dominant (ECTOL1). Identifiers: Orphanet 1885, MedGen C3541518, MONDO:0007514, OMIM 129600.
Stiff skin syndrome (SSKS). Identifiers: Orphanet 2833, MedGen C1861456, MONDO:0008492, OMIM 184900.
Geleophysic dysplasia 2 (GPHYSD2). Identifiers: Orphanet 2623, MedGen C3280054, MONDO:0013612, OMIM 614185.
Progeroid and marfanoid aspect-lipodystrophy syndrome. Also called: MARFANOID-PROGEROID SYNDROME; MARFAN-PROGEROID-LIPODYSTROPHY SYNDROME; Marfan lipodystrophy syndrome; MARFANOID-PROGEROID-LIPODYSTROPHY SYNDROME. Identifiers: Orphanet 300382, MedGen C4310796, MONDO:0014831, OMIM 616914.
Familial thoracic aortic aneurysm and aortic dissection (TAAD). Also called: Thoracic aortic aneurysms and dissections. Identifiers: Orphanet 91387, MedGen C4707243, MONDO:0019625.
FBN1-related disorder. Also called: FBN1-related disorders.

Allele frequency attached by ClinVar (database versions not stated): gnomAD exomes 0.00003; TOPMed 0.00006; ExAC 0.00003; gnomAD 0.00006.

Submissions (9):

Labcorp Genetics (formerly Invitae), Labcorp
Classification: Likely benign for Marfan syndrome; Familial thoracic aortic aneurysm and aortic dissection. Last evaluated: 2025-10-27. Review status: criteria provided, single submitter. Criteria: Invitae Variant Classification Sherloc (09022015). Collection method: clinical testing. Allele origin: germline.

Color Diagnostics, LLC DBA Color Health
Classification: Uncertain significance for Familial thoracic aortic aneurysm and aortic dissection. Last evaluated: 2025-01-07. Review status: criteria provided, single submitter. Criteria: ACMG Guidelines, 2015. Collection method: clinical testing. Allele origin: germline.
Comment: This missense variant replaces methionine with valine at codon 1384 of the FBN1 protein. Computational prediction suggests that this variant may not impact protein structure and function. To our knowledge, functional studies have not been reported for this variant. This variant has been reported in an individual affected with sudden unexpected death in infancy and early childhood (PMID: 26272908). This variant has been identified in 9/282718 chromosomes in the general population by the Genome Aggregation Database (gnomAD). The available evidence is insufficient to determine the role of this variant in disease conclusively. Therefore, this variant is classified as a Variant of Uncertain Significance.

PreventionGenetics, part of Exact Sciences
Classification: Uncertain significance for FBN1-related condition. Last evaluated: 2024-10-28. Review status: criteria provided, single submitter. Criteria: ACMG Guidelines, 2015. Collection method: clinical testing. Allele origin: germline.
Comment: The FBN1 c.4150A>G variant is predicted to result in the amino acid substitution p.Met1384Val. This variant was reported in a study of sudden unexpected death in infants, although no additional phenotypic information was provided (Santori et al. 2015. PubMed ID: 26272908). This variant is reported in 0.0065% of alleles in individuals of South Asian descent in gnomAD. Although we suspect that this variant may be benign, the clinical significance of this variant is classified as uncertain at this time due to insufficient functional and genetic evidence.

All of Us Research Program, National Institutes of Health
Classification: Uncertain significance for Marfan syndrome. Last evaluated: 2024-06-11. Review status: criteria provided, single submitter. Criteria: ACMG Guidelines, 2015. Collection method: clinical testing. Allele origin: germline. Inheritance: Autosomal dominant inheritance. Observed: 13 variant alleles, 13 heterozygotes.
Comment: This missense variant replaces methionine with valine at codon 1384 of the FBN1 protein. Computational prediction suggests that this variant may not impact protein structure and function (internally defined REVEL score threshold <= 0.5, PMID: 27666373). To our knowledge, functional studies have not been reported for this variant. This variant has been reported in an individual affected with sudden unexpected death in infancy and early childhood (PMID: 26272908). This variant has been identified in 9/282718 chromosomes in the general population by the Genome Aggregation Database (gnomAD). The available evidence is insufficient to determine the role of this variant in disease conclusively. Therefore, this variant is classified as a Variant of Uncertain Significance.

This study involves interpretation of variants in research participants for the purpose of population health screening. Participant phenotype was not available at the time of variant classification. Additional details can be found in publication PMID: 35346344, PMCID: PMC8962531

GeneDx
Classification: Uncertain significance. Last evaluated: 2024-05-15. Review status: criteria provided, single submitter. Criteria: GeneDx Variant Classification Process June 2021. Collection method: clinical testing. Allele origin: germline. Affected: yes.
Comment: Identified in a patient with sudden unexplained death in the published literature (PMID: 26272908); In silico analysis indicates that this missense variant does not alter protein structure/function; Although located in a calcium-binding EGF-like domain of the FBN1 gene, it does not affect a cysteine residue within this domain; cysteine substitutions in the calcium-binding EGF-like domains represent the majority of pathogenic missense changes associated with FBN1-related disorders (PMID: 12938084); This variant is associated with the following publications: (PMID: 26272908, 12938084)

Blueprint Genetics
Classification: Likely benign. Last evaluated: 2024-05-02. Review status: criteria provided, single submitter. Criteria: ACMG Guidelines, 2015. Collection method: clinical testing. Allele origin: germline.

Ambry Genetics
Classification: Uncertain significance for Familial thoracic aortic aneurysm and aortic dissection. Last evaluated: 2021-10-19. Review status: criteria provided, single submitter. Criteria: Ambry Variant Classification Scheme 2023. Collection method: clinical testing. Allele origin: germline.
Comment: The p.M1384V variant (also known as c.4150A>G), located in coding exon 33 of the FBN1 gene, results from an A to G substitution at nucleotide position 4150. The methionine at codon 1384 is replaced by valine, an amino acid with highly similar properties. This alteration has been reported in a sudden unexplained death in infancy cohort; however, clinical details were limited (Santori M et al. Arch Dis Child, 2015 Oct;100:952-6). This amino acid position is not well conserved in available vertebrate species. In addition, the in silico prediction for this alteration is inconclusive. Since supporting evidence is limited at this time, the clinical significance of this alteration remains unclear.

Fulgent Genetics
Classification: Uncertain significance for Acromicric dysplasia; Ectopia lentis 1, isolated, autosomal dominant; Marfan syndrome; Stiff skin syndrome; MASS syndrome; Weill-Marchesani syndrome 2, dominant; Geleophysic dysplasia 2; Progeroid and marfanoid aspect-lipodystrophy syndrome. Last evaluated: 2021-08-30. Review status: criteria provided, single submitter. Criteria: ACMG Guidelines, 2015. Collection method: clinical testing. Allele origin: unknown.

CHEO Genetics Diagnostic Laboratory, Children's Hospital of Eastern Ontario
Classification: Uncertain significance for Familial thoracic aortic aneurysm and aortic dissection. Last evaluated: 2019-07-22. Review status: criteria provided, single submitter. Criteria: ACMG Guidelines, 2015. Collection method: clinical testing. Allele origin: germline.

Literature cited by the submitters: PubMed 26272908 (cited by 3 submitters).